The following is an entry in ClinVar:

NM_001384732.1(CPLANE1):c.3534A>C (p.Lys1178Asn)

Gene: CPLANE1 (ciliogenesis and planar polarity effector complex subunit 1; minus strand). Cytogenetic location: 5p13.2.
Variant type: single nucleotide variant.
Coding change: c.3534A>C on transcript NM_001384732.1 (MANE Select); coding-DNA position 3534, A replaced by C.
Protein change: p.Lys1178Asn; replaces lysine 1178 with asparagine.
Molecular consequence: missense variant.
Genome position (GRCh38, 1-based): chr5:37,198,840, T>G on the plus strand (A>C on the coding strand, the complement: CPLANE1 is on the minus strand). VCF-style: chr5-37198840-T-G. GRCh37 (hg19) VCF-style: chr5-37198942-T-G.
Other names: c.3534A>C, p.Lys1178Asn (NM_023073.4); c.3534A>C (NM_023073.3); short protein forms K1178N.
Identifiers: ClinVar variation 2199824 (VCV002199824.4), dbSNP rs144890880, ClinGen allele CA3238919.

ClinVar aggregate classification (germline): Uncertain significance. Review status: criteria provided, multiple submitters, no conflicts (2 of 4 stars). 2 submissions from 2 submitters: Uncertain significance (2). Last evaluated 2024-05-02.

Conditions:
Orofaciodigital syndrome type 6 (OFD6). Also called: OROFACIODIGITAL SYNDROME VI; OFDS VI; POLYDACTYLY, CLEFT LIP/PALATE OR LINGUAL LUMP, AND PSYCHOMOTOR RETARDATION; VARADI SYNDROME; VARADI-PAPP SYNDROME; Oral-facial-digital syndrome type 6. Identifiers: Orphanet 2754, MedGen C2745997, MONDO:0010176, OMIM 277170.
Joubert syndrome 17 (JBTS17). Identifiers: Orphanet 475, MedGen C3553264, MONDO:0013824, OMIM 614615.

Allele frequency attached by ClinVar (database versions not stated): ExAC 0.00002; gnomAD exomes 0.00005; TOPMed 0.00005; gnomAD 0.00007; ESP Exome Variant Server 0.00015.
gnomAD v4.1: 88 of 1,613,870 alleles (0.0055%); highest among the groups gnomAD compares: Non-Finnish European, 0.0064%; 1 homozygote.

Submissions (2):

Fulgent Genetics
Classification: Uncertain significance for Orofaciodigital syndrome type 6; Joubert syndrome 17. Last evaluated: 2024-05-02. Review status: criteria provided, single submitter. Criteria: ACMG Guidelines, 2015. Collection method: clinical testing. Allele origin: germline.

Labcorp Genetics (formerly Invitae), Labcorp
Classification: Uncertain significance. Last evaluated: 2022-11-01. Review status: criteria provided, single submitter. Criteria: Invitae Variant Classification Sherloc (09022015). Collection method: clinical testing. Allele origin: germline.
Comment: This sequence change replaces lysine, which is basic and polar, with asparagine, which is neutral and polar, at codon 1178 of the CPLANE1 protein (p.Lys1178Asn). This variant is present in population databases (rs144890880, gnomAD 0.008%). This variant has not been reported in the literature in individuals affected with CPLANE1-related conditions. Advanced modeling of protein sequence and biophysical properties (such as structural, functional, and spatial information, amino acid conservation, physicochemical variation, residue mobility, and thermodynamic stability) performed at Invitae indicates that this missense variant is not expected to disrupt CPLANE1 protein function. In summary, the available evidence is currently insufficient to determine the role of this variant in disease. Therefore, it has been classified as a Variant of Uncertain Significance.